The following is an entry in ClinVar:

NM_004415.4(DSP):c.4172A>G (p.Tyr1391Cys)

Gene: DSP (desmoplakin; plus strand). Cytogenetic location: 6p24.3.
Variant type: single nucleotide variant.
Coding change: c.4172A>G on transcript NM_004415.4 (MANE Select); coding-DNA position 4172, A replaced by G.
Protein change: p.Tyr1391Cys; replaces tyrosine 1391 with cysteine.
Molecular consequence: missense variant. On other transcripts: intron variant (2).
Genome position (GRCh38, 1-based): chr6:7,580,362, A>G. VCF-style: chr6-7580362-A-G. GRCh37 (hg19) VCF-style: chr6-7580595-A-G.
Other names: c.4050+122A>G (NM_001319034.2); c.3582+590A>G (NM_001008844.3); short protein forms Y1391C.
Identifiers: ClinVar variation 178930 (VCV000178930.4), dbSNP rs727504547, ClinGen allele CA004392.

ClinVar aggregate classification (germline): Uncertain significance (1 of 4 stars; one submission).

Submission:

Laboratory for Molecular Medicine, Mass General Brigham Personalized Medicine
Classification: Uncertain significance. Last evaluated: 2013-05-03. Review status: criteria provided, single submitter. Criteria: LMM Criteria. Collection method: clinical testing. Allele origin: germline. Observed: 1 variant allele.
Comment: The Tyr1391Cys variant in DSP has not been reported in individuals with cardiomy opathy or in large population studies. Computational analyses (biochemical amin o acid properties, conservation, AlignGVGD, PolyPhen2, and SIFT) do not provide strong support for or against an impact to the protein. Additional information is needed to fully assess the clinical significance of the Tyr1391Cys variant.